The following is an entry in ClinVar:

NM_024642.5(GALNT12):c.125G>C (p.Gly42Ala)

Gene: GALNT12 (polypeptide N-acetylgalactosaminyltransferase 12; plus strand). Cytogenetic location: 9q22.33.
Variant type: single nucleotide variant.
Coding change: c.125G>C on transcript NM_024642.5 (MANE Select); coding-DNA position 125, G replaced by C.
Protein change: p.Gly42Ala; replaces glycine 42 with alanine.
Molecular consequence: missense variant.
Genome position (GRCh38, 1-based): chr9:98,807,823, G>C. VCF-style: chr9-98807823-G-C. GRCh37 (hg19) VCF-style: chr9-101570105-G-C.
Other names: short protein forms G42A.
Identifiers: ClinVar variation 3280562 (VCV003280562.1).

ClinVar aggregate classification (germline): Uncertain significance (1 of 4 stars; one submission).

Submission:

Ambry Genetics
Classification: Uncertain significance. Last evaluated: 2024-03-22. Review status: criteria provided, single submitter. Criteria: Ambry Variant Classification Scheme 2023. Collection method: clinical testing. Allele origin: germline.
Comment: The p.G42A variant (also known as c.125G>C), located in coding exon 1 of the GALNT12 gene, results from a G to C substitution at nucleotide position 125. The glycine at codon 42 is replaced by alanine, an amino acid with similar properties. This amino acid position is conserved. In addition, this alteration is predicted to be tolerated by in silico analysis. Based on the available evidence, the clinical significance of this alteration remains unclear.